The following is an entry in ClinVar:

NC_000009.12:g.35658023C>T

Gene: RMRP (RNA component of mitochondrial RNA processing endoribonuclease; minus strand). Cytogenetic location: 9p13.3.
Variant type: single nucleotide variant.
Genome position: GRCh38 VCF-style: chr9-35658023-C-T. GRCh37 (hg19) VCF-style: chr9-35658020-C-T.
Identifiers: ClinVar variation 1169997 (VCV001169997.16), dbSNP rs7024732, ClinGen allele CA5045879.

ClinVar aggregate classification (germline): Benign. Review status: reviewed by expert panel (3 of 4 stars). 7 submissions from 7 submitters: Benign (1). 6 of the submissions do not count toward it. Last evaluated 2026-07-23.

Conditions:
Metaphyseal chondrodysplasia, McKusick type (CHH). Also called: Cartilage-Hair Hypoplasia (CHH); Cartilage-hair hypoplasia. Identifiers: Orphanet 175, MedGen C0220748, MONDO:0009595, OMIM 250250.
Anauxetic dysplasia. Identifiers: Orphanet 93347, MedGen C1846796, MONDO:0011773.

Allele frequency attached by ClinVar (database versions not stated): 1000 Genomes Project 0.14677; ExAC 0.11738; TOPMed 0.18088.

Submissions (7):

ClinGen Severe Combined Immunodeficiency Variant Curation Expert Panel, ClinGen
Classification: Benign for Metaphyseal chondrodysplasia, McKusick type. Last evaluated: 2026-07-23. Review status: reviewed by expert panel. Criteria: ClinGen SCID ACMG Specifications RMRP V1.3. Collection method: curation. Allele origin: germline. Inheritance: Autosomal recessive inheritance.
Comment: The NC_000009.12:g.35658023C>T variant has a Grpmax Filtering Allele Frequency (95% CI) of the variant is 0.2992 in the African/ African American (17250/56936 alleles) in gnomAD v4.1.0 which is higher than the ClinGen SCID VCEP threshold (>0.00400) for BA1, and therefore, meets this criterion (BA1). This variant has been observed in 7560 homozygous individuals in gnomAD V4.1.0 (BS2_Strong). Therefore, this variant is classified as Benign for Autosomal Recessive Cartilage Hair Hypoplasia based on the ACMG/AMP criteria applied, as specified by the ClinGen SCID VCEP:BA1, BS2_Strong (SCID VCEP specifications version 1.3, 7/22/2026).

Labcorp Genetics (formerly Invitae), Labcorp
Classification: Benign for Anauxetic dysplasia. Last evaluated: 2026-02-04. Review status: criteria provided, single submitter. Criteria: Invitae Variant Classification Sherloc (09022015). Collection method: clinical testing. Allele origin: germline. Not counted in ClinVar's aggregate classification.

ARUP Laboratories, Molecular Genetics and Genomics, ARUP Laboratories
Classification: Benign. Last evaluated: 2025-07-03. Review status: criteria provided, single submitter. Criteria: ARUP Molecular Germline Variant Investigation Process 2024. Collection method: clinical testing. Allele origin: germline. Not counted in ClinVar's aggregate classification.

Blueprint Genetics
Classification: Likely benign. Last evaluated: 2024-11-27. Review status: criteria provided, single submitter. Criteria: ACMG Guidelines, 2015. Collection method: clinical testing. Allele origin: germline. Not counted in ClinVar's aggregate classification.

GeneDx
Classification: Benign. Last evaluated: 2015-03-03. Review status: criteria provided, single submitter. Criteria: GeneDx Variant Classification Process June 2021. Collection method: clinical testing. Allele origin: germline. Affected: yes. Not counted in ClinVar's aggregate classification.

Breakthrough Genomics
Classification: Benign. Review status: criteria provided, single submitter. Criteria: ACMG Guidelines, 2015. Collection method: not provided. Allele origin: germline. Inheritance: Autosomal recessive inheritance. Affected: yes. Not counted in ClinVar's aggregate classification.

Natera, Inc.
Classification: Benign for Cartilage-hair hypoplasia. Last evaluated: 2019-09-09. Review status: no assertion criteria provided. Collection method: clinical testing. Allele origin: germline. Not counted in ClinVar's aggregate classification.